The following is an entry in ClinVar:

ClinVar aggregate classification (germline): Uncertain significance. Review status: criteria provided, multiple submitters, no conflicts (2 of 4 stars). 3 submissions from 3 submitters: Uncertain significance (3). Last evaluated 2025-03-06.

Conditions:
Inborn genetic diseases. Identifiers: MedGen C0950123, MeSH D030342.

Allele frequency attached by ClinVar (database versions not stated): gnomAD exomes below 0.00001; gnomAD 0.00001; TOPMed 0.00002.

Submissions (3):

GeneDx
Classification: Uncertain significance. Last evaluated: 2025-03-06. Review status: criteria provided, single submitter. Criteria: GeneDx Variant Classification Process June 2021. Collection method: clinical testing. Allele origin: germline. Affected: yes.
Comment: Not observed at significant frequency in large population cohorts (gnomAD); In silico analysis supports that this missense variant has a deleterious effect on protein structure/function; Has not been previously published as pathogenic or benign to our knowledge

Labcorp Genetics (formerly Invitae), Labcorp
Classification: Uncertain significance. Last evaluated: 2023-04-11. Review status: criteria provided, single submitter. Criteria: Invitae Variant Classification Sherloc (09022015). Collection method: clinical testing. Allele origin: germline.
Comment: In summary, the available evidence is currently insufficient to determine the role of this variant in disease. Therefore, it has been classified as a Variant of Uncertain Significance. Advanced modeling of protein sequence and biophysical properties (such as structural, functional, and spatial information, amino acid conservation, physicochemical variation, residue mobility, and thermodynamic stability) performed at Invitae indicates that this missense variant is expected to disrupt AFG3L2 protein function. ClinVar contains an entry for this variant (Variation ID: 387251). This variant has not been reported in the literature in individuals affected with AFG3L2-related conditions. This variant is present in population databases (rs201231686, gnomAD 0.0009%). This sequence change replaces glycine, which is neutral and non-polar, with serine, which is neutral and polar, at codon 645 of the AFG3L2 protein (p.Gly645Ser).

Ambry Genetics
Classification: Uncertain significance for Inborn genetic diseases. Last evaluated: 2021-07-13. Review status: criteria provided, single submitter. Criteria: Ambry Variant Classification Scheme 2023. Collection method: clinical testing. Allele origin: germline.

NM_006796.3(AFG3L2):c.1933G>A (p.Gly645Ser)

Gene: AFG3L2 (AFG3 like matrix AAA peptidase subunit 2; minus strand). Cytogenetic location: 18p11.21.
Variant type: single nucleotide variant.
Coding change: c.1933G>A on transcript NM_006796.3 (MANE Select); coding-DNA position 1933, G replaced by A.
Protein change: p.Gly645Ser; replaces glycine 645 with serine.
Molecular consequence: missense variant.
Genome position (GRCh38, 1-based): chr18:12,340,248, C>T on the plus strand (G>A on the coding strand, the complement: AFG3L2 is on the minus strand). VCF-style: chr18-12340248-C-T. GRCh37 (hg19) VCF-style: chr18-12340247-C-T.
Other names: short protein forms G645S.
Identifiers: ClinVar variation 387251 (VCV000387251.8), dbSNP rs201231686, ClinGen allele CA16608707.